The following is an entry in ClinVar:

ClinVar aggregate classification (germline): Uncertain significance. Review status: criteria provided, multiple submitters, no conflicts (2 of 4 stars). 2 submissions from 2 submitters: Uncertain significance (2). Last evaluated 2025-02-10.

Conditions:
Multiple endocrine neoplasia, type 2 (MEN2). Identifiers: Orphanet 653, MedGen C4048306, MONDO:0019003. Disease mechanism: gain of function.
Hereditary cancer-predisposing syndrome. Also called: Hereditary neoplastic syndrome; Neoplastic Syndromes, Hereditary; Tumor predisposition; Hereditary Cancer Syndrome. Identifiers: Orphanet 140162, MedGen C0027672, MeSH D009386, MONDO:0015356.

Allele frequency attached by ClinVar (database versions not stated): gnomAD exomes below 0.00001.
gnomAD v4.1: 1 of 1,567,828 alleles (0.000064%); highest among the groups gnomAD compares: South Asian, 0.0012%; no homozygotes.

Submissions (2):

Ambry Genetics
Classification: Uncertain significance for Hereditary cancer-predisposing syndrome. Last evaluated: 2025-02-10. Review status: criteria provided, single submitter. Criteria: Ambry Variant Classification Scheme 2023. Collection method: clinical testing. Allele origin: germline.
Comment: The p.P213S variant (also known as c.637C>T), located in coding exon 4 of the RET gene, results from a C to T substitution at nucleotide position 637. The proline at codon 213 is replaced by serine, an amino acid with similar properties. This amino acid position is conserved. In addition, this alteration is predicted to be tolerated by in silico analysis. Based on the available evidence, the clinical significance of this variant remains unclear.

Labcorp Genetics (formerly Invitae), Labcorp
Classification: Uncertain significance for Multiple endocrine neoplasia, type 2. Last evaluated: 2022-03-05. Review status: criteria provided, single submitter. Criteria: Invitae Variant Classification Sherloc (09022015). Collection method: clinical testing. Allele origin: germline.
Comment: This variant has not been reported in the literature in individuals affected with RET-related conditions. ClinVar contains an entry for this variant (Variation ID: 939922). Algorithms developed to predict the effect of missense changes on protein structure and function are either unavailable or do not agree on the potential impact of this missense change (SIFT: "Deleterious"; PolyPhen-2: "Possibly Damaging"; Align-GVGD: "Class C0"). In summary, the available evidence is currently insufficient to determine the role of this variant in disease. Therefore, it has been classified as a Variant of Uncertain Significance. This variant is not present in population databases (gnomAD no frequency). This sequence change replaces proline, which is neutral and non-polar, with serine, which is neutral and polar, at codon 213 of the RET protein (p.Pro213Ser).

NM_020975.6(RET):c.637C>T (p.Pro213Ser)

Gene: RET (ret proto-oncogene; plus strand). Cytogenetic location: 10q11.21.
Variant type: single nucleotide variant.
Coding change: c.637C>T on transcript NM_020975.6 (MANE Select); coding-DNA position 637, C replaced by T.
Protein change: p.Pro213Ser; replaces proline 213 with serine.
Molecular consequence: missense variant.
Genome position (GRCh38, 1-based): chr10:43,104,963, C>T. VCF-style: chr10-43104963-C-T. GRCh37 (hg19) VCF-style: chr10-43600411-C-T.
Other names: c.637C>T, p.Pro213Ser (NM_000323.2, NM_001406743.1, NM_001406744.1 and 8 more transcripts); c.-126C>T (NM_001355216.2); c.508C>T, p.Pro170Ser (NM_001406761.1, NM_001406762.1, NM_001406764.1 and 2 more transcripts); c.349C>T, p.Pro117Ser (NM_001406766.1, NM_001406767.1, NM_001406770.1); short protein forms P213S, P117S, P170S.
Identifiers: ClinVar variation 939922 (VCV000939922.11), dbSNP rs1837727684, ClinGen allele CA376544295.
Genomic context (GRCh38, chr10:43,104,963, plus strand): 5'-CCGGTCCCGGCTGGTGATCACGCGGGGCCCCTGTCTGCTTGGTGCGCAGGTGAGGGTCTG[C>T]CCTTCCGCTGCGCCCCGGACAGCCTGGAGGTGAGCACGCGCTGGGCCCTGGACCGCGAGC-3'
Protein context (NP_066124.1, residues 203-223): AYRLLEGEGL[Pro213Ser]FRCAPDSLEV